The following is an entry in ClinVar:

ClinVar aggregate classification (germline): Likely pathogenic (1 of 4 stars; one submission).

Conditions:
Dyggve-Melchior-Clausen syndrome (DMC). Also called: Dyggve-Melchior-Clausen disease; DMC syndrome. Identifiers: Orphanet 239, MedGen C0265286, MONDO:0009130, OMIM 223800.
Smith-McCort dysplasia 1 (SMC1). Also called: Smith-McCort dwarfism. Identifiers: MedGen C3888088, MONDO:0011814, OMIM 607326.

gnomAD v4.1: 1 of 1,613,960 alleles (0.000062%); highest among the groups gnomAD compares: East Asian, 0.0022%; no homozygotes.

Submission:

Juno Genomics, Hangzhou Juno Genomics, Inc
Classification: Likely pathogenic for Smith-McCort dysplasia 1; Dyggve-Melchior-Clausen syndrome. Review status: criteria provided, single submitter. Criteria: ACMG Guidelines, 2015. Collection method: clinical testing. Allele origin: germline.
Comment: Absent from controls (or at extremely low frequency if recessive) in Genome Aggregation Database.;Null variant in a gene where loss of function (LOF) is a known mechanism of disease.

NM_001353214.3(DYM):c.448G>T (p.Glu150Ter)

Gene: DYM (dymeclin; minus strand). Cytogenetic location: 18q21.1.
Variant type: single nucleotide variant.
Coding change: c.448G>T on transcript NM_001353214.3 (MANE Select); coding-DNA position 448, G replaced by T.
Protein change: p.Glu150Ter; replaces glutamic acid 150 with a stop codon.
Molecular consequence: nonsense. On other transcripts: intron variant (4).
Genome position (GRCh38, 1-based): chr18:49,363,207, C>A on the plus strand (G>T on the coding strand, the complement: DYM is on the minus strand). VCF-style: chr18-49363207-C-A. GRCh37 (hg19) VCF-style: chr18-46889577-C-A.
Other names: c.448G>T, p.Glu150Ter (NM_001353216.3, NM_001374428.1, NM_001374430.1 and 12 more transcripts); c.445G>T, p.Glu149Ter (NM_001374429.1, NM_001374439.1, NM_001353211.3 and 1 more transcripts); c.220G>T, p.Glu74Ter (NM_001374440.1); c.193+28386G>T (NM_001374443.1, NM_001374444.1, NM_001374442.1 and 1 more transcripts); short protein forms E149*, E150*, E74*.
Identifiers: ClinVar variation 5019466 (VCV005019466.2).